The following is an entry in ClinVar:

ClinVar aggregate classification (germline): Likely benign. Review status: criteria provided, multiple submitters, no conflicts (2 of 4 stars). 3 submissions from 3 submitters: Likely benign (3). Last evaluated 2025-03-20.

Conditions:
IFT140-related disorder. Also called: IFT140-related condition.
Saldino-Mainzer syndrome (SRTD9). Also called: CONORENAL SYNDROME; short-rib thoracic dysplasia 9 with or without polydactyly; Renal dysplasia, retinal pigmentary dystrophy, cerebellar ataxia and skeletal dysplasia; SHORT-RIB THORACIC DYSPLASIA 9 WITHOUT POLYDACTYLY. Identifiers: Orphanet 140969, MedGen C1849437, MONDO:0009964, OMIM 266920.

Allele frequency attached by ClinVar (database versions not stated): gnomAD 0.00001; gnomAD exomes 0.00001 and 0.00002; TOPMed 0.00001; ExAC 0.00002; 1000 Genomes Project 30x 0.00016; 1000 Genomes Project 0.00020.
gnomAD v4.1: 27 of 1,613,172 alleles (0.0017%); highest among the groups gnomAD compares: East Asian, 0.0022%; no homozygotes.

Submissions (3):

PreventionGenetics, part of Exact Sciences
Classification: Likely benign for IFT140-related condition. Last evaluated: 2025-03-20. Review status: criteria provided, single submitter. Criteria: ACMG Guidelines, 2015. Collection method: clinical testing. Allele origin: germline.
Comment: This variant is classified as likely benign based on ACMG/AMP sequence variant interpretation guidelines (Richards et al. 2015 PMID: 25741868, with internal and published modifications).

Labcorp Genetics (formerly Invitae), Labcorp
Classification: Likely benign for Saldino-Mainzer syndrome. Last evaluated: 2024-10-27. Review status: criteria provided, single submitter. Criteria: Invitae Variant Classification Sherloc (09022015). Collection method: clinical testing. Allele origin: germline.

Blueprint Genetics
Classification: Likely benign. Last evaluated: 2023-01-24. Review status: criteria provided, single submitter. Criteria: ACMG Guidelines, 2015. Collection method: clinical testing. Allele origin: germline.

NM_014714.4(IFT140):c.1029C>T (p.Thr343=)

Genes: IFT140 (intraflagellar transport 140; minus strand), LOC105371046 (uncharacterized LOC105371046; plus strand). Cytogenetic location: 16p13.3.
Variant type: single nucleotide variant.
Coding change: c.1029C>T on transcript NM_014714.4 (MANE Select); coding-DNA position 1029, C replaced by T.
Protein change: p.Thr343=; no amino-acid change (threonine 343 retained).
Molecular consequence: synonymous variant.
Genome position (GRCh38, 1-based): chr16:1,586,256, G>A on the plus strand (C>T on the coding strand, the complement: IFT140 is on the minus strand). VCF-style: chr16-1586256-G-A. GRCh37 (hg19) VCF-style: chr16-1636257-G-A.
Other names: c.1029C>T (NM_014714.3).
Identifiers: ClinVar variation 1154303 (VCV001154303.11), dbSNP rs556379159, ClinGen allele CA7814449.